The following is an entry in ClinVar:

ClinVar aggregate classification (germline): Uncertain significance. Review status: criteria provided, multiple submitters, no conflicts (2 of 4 stars). 2 submissions from 2 submitters: Uncertain significance (2). Last evaluated 2022-09-19.

Conditions:
Cerebral creatine deficiency syndrome. Also called: Creatine deficiency syndromes. Identifiers: Orphanet 79172, MedGen C5244016, MONDO:0000456.

Submissions (2):

Labcorp Genetics (formerly Invitae), Labcorp
Classification: Uncertain significance for Cerebral creatine deficiency syndrome. Last evaluated: 2022-09-19. Review status: criteria provided, single submitter. Criteria: Invitae Variant Classification Sherloc (09022015). Collection method: clinical testing. Allele origin: germline.
Comment: In summary, the available evidence is currently insufficient to determine the role of this variant in disease. Therefore, it has been classified as a Variant of Uncertain Significance. Advanced modeling of protein sequence and biophysical properties (such as structural, functional, and spatial information, amino acid conservation, physicochemical variation, residue mobility, and thermodynamic stability) has been performed at Invitae for this missense variant, however the output from this modeling did not meet the statistical confidence thresholds required to predict the impact of this variant on GAMT protein function. ClinVar contains an entry for this variant (Variation ID: 566179). This variant has not been reported in the literature in individuals affected with GAMT-related conditions. This variant is not present in population databases (gnomAD no frequency). This sequence change replaces methionine, which is neutral and non-polar, with isoleucine, which is neutral and non-polar, at codon 50 of the GAMT protein (p.Met50Ile).

CeGaT Center for Human Genetics Tuebingen
Classification: Uncertain significance. Last evaluated: 2021-10-01. Review status: criteria provided, single submitter. Criteria: CeGaT Center For Human Genetics Tuebingen Variant Classification Criteria Version 2. Collection method: clinical testing. Allele origin: germline. Affected: yes. Observed: 1 variant allele.

NM_000156.6(GAMT):c.150G>A (p.Met50Ile)

Genes: GAMT (guanidinoacetate N-methyltransferase; minus strand), LOC130062945 (ATAC-STARR-seq lymphoblastoid silent region 9707; plus strand). Cytogenetic location: 19p13.3.
Variant type: single nucleotide variant.
Coding change: c.150G>A on transcript NM_000156.6 (MANE Select); coding-DNA position 150, G replaced by A.
Protein change: p.Met50Ile; replaces methionine 50 with isoleucine.
Molecular consequence: missense variant.
Genome position (GRCh38, 1-based): chr19:1,401,327, C>T on the plus strand (G>A on the coding strand, the complement: GAMT is on the minus strand). VCF-style: chr19-1401327-C-T. GRCh37 (hg19) VCF-style: chr19-1401326-C-T.
Other names: c.150G>A, p.Met50Ile (NM_138924.3); short protein forms M50I.
Identifiers: ClinVar variation 566179 (VCV000566179.42), dbSNP rs1569008795, ClinGen allele CA402998058.
Genomic context (GRCh38, chr19:1,401,327, plus strand): 5'-GGGGGCGGTGCAGGCCGGGCGGGGGCTACCTTTGGAGGAGGCGGCGGCGGCCAGCGCGTG[C>T]ATATAGGGGGTCTCCCAGCGCTCCATCACCGGCTTGCCCAGGATGCGCAGGTGCGTGTCC-3'
Protein context (NP_000147.1, residues 40-60): PVMERWETPY[Met50Ile]HALAAAASSK